The following is an entry in ClinVar:

NM_001374736.1(DST):c.5283+14T>C

Gene: DST (dystonin; minus strand). Cytogenetic location: 6p12.1.
Variant type: single nucleotide variant.
Coding change: c.5283+14T>C on transcript NM_001374736.1 (MANE Select); 14 bases into the intron after coding-DNA position 5283, T replaced by C.
Molecular consequence: intron variant.
Genome position (GRCh38, 1-based): chr6:56,610,413, A>G on the plus strand (T>C on the coding strand, the complement: DST is on the minus strand). VCF-style: chr6-56610413-A-G. GRCh37 (hg19) VCF-style: chr6-56475211-A-G.
Other names: c.5184+14T>C (NM_001144769.5); c.5283+14T>C (NM_001374722.1); c.5310+14T>C (NM_001374734.1); c.4770+14T>C (NM_001144770.2); c.4650+14T>C (NM_001374730.1, NM_001386100.1, NM_183380.4 and 1 more transcripts); c.3672+14T>C (NM_015548.5).
Identifiers: ClinVar variation 2116995 (VCV002116995.4), dbSNP rs2098535124, ClinGen allele CA1089309620.
Genomic context (GRCh38, chr6:56,610,413, plus strand): 5'-GACATAGATTTCCAGAGCCATGCAATCAAACTAAGCTTCTTGAAACAGCCTCATGTTTAA[A>G]TAAATAATATTACCTTCTCCTCTACCTTTACATCTCCTGAGGTTTGTGATTCTTGTAGCT-3'

ClinVar aggregate classification (germline): Uncertain significance (1 of 4 stars; one submission).

Conditions:
Hereditary sensory and autonomic neuropathy type 6. Also called: HSAN VI; Neuropathy, hereditary sensory and autonomic, type VI. Identifiers: Orphanet 314381, MedGen C3539003, MONDO:0013839, OMIM 614653.
Epidermolysis bullosa simplex 3, localized or generalized intermediate, with BP230 deficiency (EBS3). Also called: Epidermolysis bullosa simplex, autosomal recessive 2; Epidermolysis bullosa simplex due to BP230 deficiency. Identifiers: Orphanet 412181, MedGen C3809470, MONDO:0014180, OMIM 615425.

Allele frequency attached by ClinVar (database versions not stated): gnomAD 0.00001.

Submission:

Labcorp Genetics (formerly Invitae), Labcorp
Classification: Uncertain significance for Epidermolysis bullosa simplex 3, localized or generalized intermediate, with BP230 deficiency; Hereditary sensory and autonomic neuropathy type 6. Last evaluated: 2022-03-26. Review status: criteria provided, single submitter. Criteria: Invitae Variant Classification Sherloc (09022015). Collection method: clinical testing. Allele origin: germline.
Comment: In summary, the available evidence is currently insufficient to determine the role of this variant in disease. Therefore, it has been classified as a Variant of Uncertain Significance. Experimental studies and prediction algorithms are not available or were not evaluated, and the effect of this variant on mRNA splicing is currently unknown. This variant has not been reported in the literature in individuals affected with DST-related conditions. This variant is not present in population databases (gnomAD no frequency). This sequence change falls in intron 25 of the DST gene. It does not directly change the encoded amino acid sequence of the DST protein. The DST gene has multiple clinically relevant transcripts. This variant occurs in alternate transcript NM_015548.4, and corresponds to NM_001723.5:c.*5104T>C in the primary transcript.